The following is an entry in ClinVar:

NM_001367943.1(TCF7L2):c.620G>C (p.Ser207Thr)

Gene: TCF7L2 (transcription factor 7 like 2; plus strand). Cytogenetic location: 10q25.3.
Variant type: single nucleotide variant.
Coding change: c.620G>C on transcript NM_001367943.1 (MANE Select); coding-DNA position 620, G replaced by C.
Protein change: p.Ser207Thr; replaces serine 207 with threonine.
Molecular consequence: missense variant.
Genome position (GRCh38, 1-based): chr10:113,141,251, G>C. VCF-style: chr10-113141251-G-C. GRCh37 (hg19) VCF-style: chr10-114901010-G-C.
Other names: c.620G>C, p.Ser207Thr (NM_001146274.2, NM_001198531.2, NM_001363501.2); c.692G>C, p.Ser231Thr (NM_001146283.2); c.551G>C, p.Ser184Thr (NM_001146284.2, NM_001146285.2, NM_001146286.2 and 6 more transcripts); c.449G>C, p.Ser150Thr (NM_001198530.2); c.191G>C, p.Ser64Thr (NM_001349870.2); c.71G>C, p.Ser24Thr (NM_001349871.1); short protein forms S150T, S184T, S207T, S231T, S24T, S64T.
Identifiers: ClinVar variation 3381282 (VCV003381282.1).

ClinVar aggregate classification (germline): Uncertain significance (1 of 4 stars; one submission).

Submission:

GeneDx
Classification: Uncertain significance. Last evaluated: 2024-05-21. Review status: criteria provided, single submitter. Criteria: GeneDx Variant Classification Process June 2021. Collection method: clinical testing. Allele origin: germline. Affected: yes.
Comment: Not observed at significant frequency in large population cohorts (gnomAD); In silico analysis supports that this missense variant has a deleterious effect on protein structure/function; Has not been previously published as pathogenic or benign to our knowledge